The following is an entry in ClinVar:

ClinVar aggregate classification (germline): Uncertain significance (1 of 4 stars; one submission).

Submission:

GeneDx
Classification: Uncertain significance. Last evaluated: 2025-01-07. Review status: criteria provided, single submitter. Criteria: GeneDx Variant Classification Process June 2021. Collection method: clinical testing. Allele origin: germline. Affected: yes.
Comment: Not observed at significant frequency in large population cohorts (gnomAD); In silico analysis indicates that this missense variant does not alter protein structure/function; Has not been previously published as pathogenic or benign to our knowledge

NM_020987.5(ANK3):c.11363A>G (p.Asn3788Ser)

Gene: ANK3 (ankyrin 3; minus strand). Cytogenetic location: 10q21.2.
Variant type: single nucleotide variant.
Coding change: c.11363A>G on transcript NM_020987.5 (MANE Select); coding-DNA position 11363, A replaced by G.
Protein change: p.Asn3788Ser; replaces asparagine 3788 with serine.
Molecular consequence: missense variant. On other transcripts: intron variant (4).
Genome position (GRCh38, 1-based): chr10:60,069,518, T>C on the plus strand (A>G on the coding strand, the complement: ANK3 is on the minus strand). VCF-style: chr10-60069518-T-C. GRCh37 (hg19) VCF-style: chr10-61829276-T-C.
Other names: c.4388-1509A>G (NM_001204403.2); c.4409-1509A>G (NM_001204404.2); c.4406-1509A>G (NM_001320874.2); c.1808-1509A>G (NM_001149.4); short protein forms N3788S.
Identifiers: ClinVar variation 4056973 (VCV004056973.1).
Genomic context (GRCh38, chr10:60,069,518, plus strand): 5'-AGAACTATATTACTCATAATGTTATCTGTCTGTATAGTGGAAGAATCCAAATTGTTGTTG[T>C]TATTAAAGTTATCTTTTTGAAAATCATGTTTTTCATGGGGCCTAACGCCCATCTGGCTAT-3'
Protein context (NP_066267.2, residues 3778-3798): KHDFQKDNFN[Asn3788Ser]NNNLDSSTIQ